The following is an entry in ClinVar:

NM_000548.5(TSC2):c.4493G>C (p.Ser1498Thr)

Gene: TSC2 (TSC complex subunit 2; plus strand). Cytogenetic location: 16p13.3.
Variant type: single nucleotide variant.
Coding change: c.4493G>C on transcript NM_000548.5 (MANE Select); coding-DNA position 4493, G replaced by C.
Protein change: p.Ser1498Thr; replaces serine 1498 with threonine.
Molecular consequence: missense variant.
Genome position (GRCh38, 1-based): chr16:2,084,715, G>C. VCF-style: chr16-2084715-G-C. GRCh37 (hg19) VCF-style: chr16-2134716-G-C.
Other names: c.4292G>C, p.Ser1431Thr (NM_001077183.3); c.4424G>C, p.Ser1475Thr (NM_001114382.3); c.4184G>C, p.Ser1395Thr (NM_001318827.2); c.4148G>C, p.Ser1383Thr (NM_001318829.2); c.3761G>C, p.Ser1254Thr (NM_001318831.2); c.4325G>C, p.Ser1442Thr (NM_001318832.2); c.4295G>C, p.Ser1432Thr (NM_001363528.2); c.4361G>C, p.Ser1454Thr (NM_001370404.1); and 2 more; short protein forms S1498T, S1395T, S1455T, S1475T, S1383T, S1432T, S1254T, S1431T.
Identifiers: ClinVar variation 65304 (VCV000065304.7), dbSNP rs137854879, ClinGen allele CA020540.

ClinVar aggregate classification (germline): Likely pathogenic. Review status: criteria provided, multiple submitters, no conflicts (2 of 4 stars). 4 submissions from 4 submitters: Likely pathogenic (3). 1 of the submissions does not count toward it. Last evaluated 2025-08-01.

Conditions:
TSC2-related disorder. Also called: TSC2-Related Disorders; TSC2-related condition.
Tuberous sclerosis syndrome (TSC). Also called: Tuberous Sclerosis Complex; Tuberous sclerosis. Identifiers: Orphanet 805, MedGen C0041341, MONDO:0001734.

Submissions (4):

GeneDx
Classification: Likely pathogenic. Last evaluated: 2025-08-01. Review status: criteria provided, single submitter. Criteria: GeneDx Variant Classification Process June 2021. Collection method: clinical testing. Allele origin: germline. Affected: yes.
Comment: Functional studies have not demonstrated an impact on splicing (PMID: 40226305); Not observed at significant frequency in large population cohorts (gnomAD); In silico analysis supports that this missense variant has a deleterious effect on protein structure/function; This variant is associated with the following publications: (PMID: 25449086, 29432982, 18835118, 40226305)

PreventionGenetics, part of Exact Sciences
Classification: Likely pathogenic for TSC2-related condition. Last evaluated: 2022-08-26. Review status: criteria provided, single submitter. Criteria: ACMG Guidelines, 2015. Collection method: clinical testing. Allele origin: germline.
Comment: The TSC2 c.4493G>C variant is predicted to result in the amino acid substitution p.Ser1498Thr. This variant occurs at the last nucleotide position of exon 34 and is predicted to alter splicing based on available splicing prediction programs (Alamut Visual v2.11). This variant has been reported in an individual with tuberous sclerosis complex (TSC) (Zhang et al. 2014. PubMed ID: 25449086). This variant has not been reported in a large population database, indicating this variant is rare. Alternate variants affecting the same amino acid (p.Ser1498Arg and p.Ser1498Asn) have been reported de novo in an individual with TSC (Table 2, Jones et al. 1999. PubMed ID: 10205261) or demonstrated to alter splicing via RNA analysis (Table S1, Wai et al. 2020. PubMed ID: 32123317). The c.4493G>C (p.Ser1498Thr) variant is interpreted as likely pathogenic.

Centre of Medical Genetics, University Hospital Muenster
Classification: Likely pathogenic. Last evaluated: 2021-12-08. Review status: criteria provided, single submitter. Criteria: ACMG Guidelines, 2015. Collection method: clinical testing. Allele origin: de novo. Affected: yes. Observed: 1 variant allele, 1 heterozygote.
Comment: ACMG categories: PS2,PM1,PM2,PP3,BP1

Tuberous sclerosis database (TSC2)
No classification provided. Condition: TSC. Review status: no classification provided. Criteria: Tuberous Sclerosis Database Assertion Criteria 2015. Collection method: curation. Allele origin: germline. Affected: yes. Not counted in ClinVar's aggregate classification.